The following is an entry in ClinVar:

NM_201384.3(PLEC):c.10201C>A (p.Pro3401Thr)

Gene: PLEC (plectin; minus strand). Cytogenetic location: 8q24.3.
Variant type: single nucleotide variant.
Coding change: c.10201C>A on transcript NM_201384.3 (MANE Select); coding-DNA position 10201, C replaced by A.
Protein change: p.Pro3401Thr; replaces proline 3401 with threonine.
Molecular consequence: missense variant.
Genome position (GRCh38, 1-based): chr8:143,919,620, G>T on the plus strand (C>A on the coding strand, the complement: PLEC is on the minus strand). VCF-style: chr8-143919620-G-T. GRCh37 (hg19) VCF-style: chr8-144993788-G-T.
Other names: c.10282C>A, p.Pro3428Thr (NM_000445.5); c.10159C>A, p.Pro3387Thr (NM_201378.4); c.10135C>A, p.Pro3379Thr (NM_201379.3); c.10612C>A, p.Pro3538Thr (NM_201380.4); c.10105C>A, p.Pro3369Thr (NM_201381.3); c.10201C>A, p.Pro3401Thr (NM_201382.4); c.10213C>A, p.Pro3405Thr (NM_201383.3); short protein forms P3379T, P3428T, P3538T, P3369T, P3387T, P3401T, P3405T.
Identifiers: ClinVar variation 1474973 (VCV001474973.6), dbSNP rs1554678845, ClinGen allele CA372502933.

ClinVar aggregate classification (germline): Uncertain significance (1 of 4 stars; one submission).

Conditions:
Autosomal recessive limb-girdle muscular dystrophy type 2Q (LGMDR17). Also called: MUSCULAR DYSTROPHY, LIMB-GIRDLE, AUTOSOMAL RECESSIVE 17. Identifiers: Orphanet 254361, MedGen C3150989, MONDO:0013390, OMIM 613723.
Epidermolysis bullosa simplex 5B, with muscular dystrophy (EBS5B). Also called: EPIDERMOLYSIS BULLOSA SIMPLEX AND LIMB-GIRDLE MUSCULAR DYSTROPHY; Epidermolysis bullosa simplex with muscular dystrophy. Identifiers: Orphanet 257, MedGen C2931072, MONDO:0009181, OMIM 226670.
Epidermolysis bullosa simplex, Ogna type (EBS5A). Also called: Pidermolysis bullosa simplex 5A, Ogna type; EPIDERMOLYSIS BULLOSA SIMPLEX 5A, OGNA TYPE. Identifiers: Orphanet 79401, MedGen C0432317, MONDO:0007555, OMIM 131950.
Epidermolysis bullosa simplex with nail dystrophy (EBS5D). Identifiers: MedGen C4225309, MONDO:0014661, OMIM 616487.
Epidermolysis bullosa simplex 5C, with pyloric atresia (EBS5C). Also called: Epidermolysis bullosa simplex with pyloric atresia; PLEC1-Related Epidermolysis Bullosa with Pyloric Atresia; PLEC-Related Epidermolysis Bullosa with Pyloric Atresia. Identifiers: Orphanet 158684, MedGen C2677349, MONDO:0012807, OMIM 612138.

Submission:

Labcorp Genetics (formerly Invitae), Labcorp
Classification: Uncertain significance for Autosomal recessive limb-girdle muscular dystrophy type 2Q; Epidermolysis bullosa simplex, Ogna type; Epidermolysis bullosa simplex with nail dystrophy; Epidermolysis bullosa simplex 5C, with pyloric atresia; Epidermolysis bullosa simplex 5B, with muscular dystrophy. Last evaluated: 2021-08-20. Review status: criteria provided, single submitter. Criteria: Invitae Variant Classification Sherloc (09022015). Collection method: clinical testing. Allele origin: germline.
Comment: This variant has not been reported in the literature in individuals affected with PLEC-related conditions. This variant is not present in population databases (ExAC no frequency). This sequence change replaces proline with threonine at codon 3428 of the PLEC protein (p.Pro3428Thr). The proline residue is highly conserved and there is a small physicochemical difference between proline and threonine. In summary, the available evidence is currently insufficient to determine the role of this variant in disease. Therefore, it has been classified as a Variant of Uncertain Significance. Algorithms developed to predict the effect of missense changes on protein structure and function (SIFT, PolyPhen-2, Align-GVGD) all suggest that this variant is likely to be disruptive.